The following is an entry in ClinVar:

ClinVar aggregate classification (germline): Likely benign. Review status: criteria provided, multiple submitters, no conflicts (2 of 4 stars). 2 submissions from 2 submitters: Likely benign (2). Last evaluated 2018-06-14.

Allele frequency attached by ClinVar (database versions not stated): gnomAD 0.02078 and 0.02335; TOPMed 0.02376; 1000 Genomes Project 30x 0.04232; 1000 Genomes Project 0.04373.
gnomAD v4.1: 41,380 of 1,440,496 alleles (2.9%); highest among the groups gnomAD compares: East Asian, 17%; 1,169 homozygotes.

Submissions (2):

GeneDx
Classification: Likely benign. Last evaluated: 2018-06-14. Review status: criteria provided, single submitter. Criteria: GeneDx Variant Classification (06012015). Collection method: clinical testing. Allele origin: germline. Affected: yes.
Comment: This variant is considered likely benign or benign based on one or more of the following criteria: it is a conservative change, it occurs at a poorly conserved position in the protein, it is predicted to be benign by multiple in silico algorithms, and/or has population frequency not consistent with disease.

Breakthrough Genomics
Classification: Likely benign. Review status: criteria provided, single submitter. Criteria: ACMG Guidelines, 2015. Collection method: not provided. Allele origin: germline. Inheritance: Autosomal dominant inheritance. Affected: yes.

NM_001040151.2(SCN3B):c.584+91C>T

Gene: SCN3B (sodium voltage-gated channel beta subunit 3; minus strand). Cytogenetic location: 11q24.1.
Variant type: single nucleotide variant.
Coding change: c.584+91C>T on transcript NM_001040151.2 (MANE Select); 91 bases into the intron after coding-DNA position 584, C replaced by T.
Molecular consequence: intron variant.
Genome position (GRCh38, 1-based): chr11:123,638,095, G>A on the plus strand (C>T on the coding strand, the complement: SCN3B is on the minus strand). VCF-style: chr11-123638095-G-A. GRCh37 (hg19) VCF-style: chr11-123508803-G-A.
Other names: c.584+91C>T (NM_018400.4).
Identifiers: ClinVar variation 670948 (VCV000670948.2), dbSNP rs2276023, ClinGen allele CA229976479.